The following is an entry in ClinVar:

NM_003126.4(SPTA1):c.751_753del (p.Gly251del)

Gene: SPTA1 (spectrin alpha, erythrocytic 1; minus strand). Cytogenetic location: 1q23.1.
Variant type: Deletion.
Coding change: c.751_753del on transcript NM_003126.4 (MANE Select); coding-DNA positions 751 to 753, 3 bases deleted (GGT; older notation c.751_753delGGT).
Protein change: p.Gly251del; deletes glycine 251.
Molecular consequence: inframe deletion.
Genome position (GRCh38, 1-based): chr1:158,678,460-158,678,462, ACC deleted on the plus strand (GGT on the coding strand, the reverse complement: SPTA1 is on the minus strand); deleting any 3 consecutive bases within chr1:158,678,460-158,678,464 gives the same sequence; the c. name uses the placement nearest the transcript's 3' end. VCF-style (leftmost placement, unchanged base first): chr1-158678459-AACC-A. GRCh37 (hg19) VCF-style: chr1-158648249-AACC-A.
Other names: short protein forms G251del.
Identifiers: ClinVar variation 4856071 (VCV004856071.1).

ClinVar aggregate classification (germline): Uncertain significance (1 of 4 stars; one submission).

Conditions:
SPTA1-related disorder. Also called: SPTA1-related condition; SPTA1-related disorders.

Submission:

3billion
Classification: Uncertain significance for SPTA1-related disorder. Last evaluated: 2025-12-18. Review status: criteria provided, single submitter. Criteria: ACMG Guidelines, 2015. Collection method: clinical testing. Allele origin: germline. Affected: yes.
Comment: The variant is observed at an extremely low frequency in the gnomAD v4.1.0 dataset (total allele frequency: <0.001%). Predicted Consequence/Location: Inframe deletion located in a nonrepeat region: predicted to change the length of the protein and disrupt normal protein function. Therefore, this variant is classified as VUS according to the recommendation of ACMG/AMP guideline.